The following is an entry in ClinVar:

ClinVar aggregate classification (germline): Uncertain significance. Review status: criteria provided, multiple submitters, no conflicts (2 of 4 stars). 2 submissions from 2 submitters: Uncertain significance (2). Last evaluated 2024-10-09.

Conditions:
RNU4-1-associated neurodevelopmental disorder.

Submissions (2):

Institute of Human Genetics, University of Leipzig Medical Center
Classification: Uncertain significance for RNU4-1-associated neurodevelopmental disorder. Last evaluated: 2024-10-09. Review status: criteria provided, single submitter. Criteria: ACMG Guidelines, 2015. Collection method: literature only. Allele origin: de novo. Inheritance: Autosomal dominant inheritance. Affected: yes. Observed: 1 variant allele.
Comment: This variant was identified as de novo

Institute for Human Genetics, University Hospital Essen
Classification: Uncertain significance. Last evaluated: 2005-03-05. Review status: criteria provided, single submitter. Criteria: ACMG Guidelines, 2015. Collection method: clinical testing. Allele origin: de novo. Affected: yes.
Comment: PM2_supp, PS2

Literature cited by the submitters: DOI 10.1101/2024.10.07.24314689 (cited by Institute of Human Genetics, University of Leipzig Medical Center).

NR_003925.2(RNU4-1):n.96T>G

Genes: RNU4-1 (RNA, U4 small nuclear 1; minus strand), SIRT4 (sirtuin 4; plus strand). Cytogenetic location: 12q24.23.
Variant type: single nucleotide variant.
Molecular consequence: non-coding transcript variant (on NR_003925.2). On other transcripts: intron variant (2).
Genome position: GRCh38 VCF-style: chr12-120293142-A-C. GRCh37 (hg19) VCF-style: chr12-120730945-A-C.
Other names: c.-2+200A>C (NM_001385733.2, NM_001385735.2).
Identifiers: ClinVar variation 3362398 (VCV003362398.2).